The following is an entry in ClinVar:

NM_001145715.3(KPNA7):c.1108C>T (p.Pro370Ser)

Gene: KPNA7 (karyopherin subunit alpha 7; minus strand). Cytogenetic location: 7q22.1.
Variant type: single nucleotide variant.
Coding change: c.1108C>T on transcript NM_001145715.3 (MANE Select); coding-DNA position 1108, C replaced by T.
Protein change: p.Pro370Ser; replaces proline 370 with serine.
Molecular consequence: missense variant.
Genome position (GRCh38, 1-based): chr7:99,184,955, G>A on the plus strand (C>T on the coding strand, the complement: KPNA7 is on the minus strand). VCF-style: chr7-99184955-G-A. GRCh37 (hg19) VCF-style: chr7-98782578-G-A.
Other names: c.1108C>T (NM_001145715.1); short protein forms P370S.
Identifiers: ClinVar variation 1016203 (VCV001016203.7), dbSNP rs1327492077, ClinGen allele CA368419106.
Genomic context (GRCh38, chr7:99,184,955, plus strand): 5'-GTCCTTTGCCATGGTTGCTGTGTGCGCCACTTACGTTTTTTAGCAGAGCCACCAAGGGAG[G>A]CAAGACGTCGTAGGCAAGCAGCTGCTGGATGTGGTGACAAGGCCCCGCTGCTACGTTGCT-3'
Protein context (NP_001139187.1, residues 360-380): IQQLLAYDVL[Pro370Ser]PLVALLKNGE

ClinVar aggregate classification (germline): Uncertain significance. Review status: criteria provided, multiple submitters, no conflicts (2 of 4 stars). 2 submissions from 2 submitters: Uncertain significance (2). Last evaluated 2025-11-26.

Allele frequency attached by ClinVar (database versions not stated): TOPMed below 0.00001; gnomAD exomes below 0.00001.
gnomAD v4.1: 1 of 1,552,034 alleles (0.000064%); highest among the groups gnomAD compares: African/African-American, 0.0014%; no homozygotes.

Submissions (2):

Ambry Genetics
Classification: Uncertain significance. Last evaluated: 2025-11-26. Review status: criteria provided, single submitter. Criteria: Ambry Variant Classification Scheme 2023. Collection method: clinical testing. Allele origin: germline.

Labcorp Genetics (formerly Invitae), Labcorp
Classification: Uncertain significance. Last evaluated: 2021-08-31. Review status: criteria provided, single submitter. Criteria: Invitae Variant Classification Sherloc (09022015). Collection method: clinical testing. Allele origin: germline.
Comment: This sequence change replaces proline with serine at codon 370 of the KPNA7 protein (p.Pro370Ser). The proline residue is highly conserved and there is a moderate physicochemical difference between proline and serine. This variant is not present in population databases (ExAC no frequency). This variant has not been reported in the literature in individuals affected with KPNA7-related conditions. Algorithms developed to predict the effect of missense changes on protein structure and function are either unavailable or do not agree on the potential impact of this missense change (SIFT: "Tolerated"; PolyPhen-2: "Probably Damaging"; Align-GVGD: "Class C0"). In summary, the available evidence is currently insufficient to determine the role of this variant in disease. Therefore, it has been classified as a Variant of Uncertain Significance.